The following is an entry in ClinVar:

ClinVar aggregate classification (germline): Likely benign. Review status: criteria provided, single submitter (1 of 4 stars). 2 submissions from 2 submitters: Likely benign (1). 1 of the submissions does not count toward it. Last evaluated 2023-07-17.

Conditions:
UTP4-related disorder. Also called: UTP4-related condition.

Allele frequency attached by ClinVar (database versions not stated): gnomAD exomes 0.00001; ExAC 0.00011; TOPMed 0.00016; gnomAD 0.00017; 1000 Genomes Project 30x 0.00031; 1000 Genomes Project 0.00040; ESP Exome Variant Server 0.00046.
gnomAD v4.1: 44 of 1,614,208 alleles (0.0027%); highest among the groups gnomAD compares: African/African-American, 0.051%; no homozygotes.

Submissions (2):

Labcorp Genetics (formerly Invitae), Labcorp
Classification: Likely benign. Last evaluated: 2023-07-17. Review status: criteria provided, single submitter. Criteria: Invitae Variant Classification Sherloc (09022015). Collection method: clinical testing. Allele origin: germline.

PreventionGenetics, part of Exact Sciences
Classification: Likely benign for UTP4-related condition. Last evaluated: 2024-08-19. Review status: no assertion criteria provided. Collection method: clinical testing. Allele origin: germline. Not counted in ClinVar's aggregate classification.
Comment: This variant is classified as likely benign based on ACMG/AMP sequence variant interpretation guidelines (Richards et al. 2015 PMID: 25741868, with internal and published modifications).

NM_032830.3(UTP4):c.876T>C (p.Thr292=)

Gene: UTP4 (UTP4 small subunit processome component). Cytogenetic location: 16q22.1.
Variant type: single nucleotide variant.
Coding change: c.876T>C on transcript NM_032830.3 (MANE Select); coding-DNA position 876, T replaced by C.
Protein change: p.Thr292=; no amino-acid change (threonine 292 retained).
Molecular consequence: synonymous variant.
Genome position (GRCh38, 1-based): chr16:69,150,674, T>C. VCF-style: chr16-69150674-T-C. GRCh37 (hg19) VCF-style: chr16-69184577-T-C.
Other names: c.876T>C (NM_032830.2); c.627T>C, p.Thr209= (NM_001318391.2).
Identifiers: ClinVar variation 2896383 (VCV002896383.4), dbSNP rs147819992, ClinGen allele CA8132199.
Genomic context (GRCh38, chr16:69,150,674, plus strand): 5'-CAGTGAGAAGCAGTGGGTGCGGACAAAACCGTTCCAGCATCACACTCATGACGTGCGCAC[T>C]GTGGCCCACAGCCCAACAGCGCTGATATCTGGAGGTGGGTTCCCCCTCTGGTGAGGCTGC-3'
Protein context (NP_116219.2, residues 282-302): PFQHHTHDVR[Thr292=]VAHSPTALIS